The following is an entry in ClinVar:

NM_012144.4(DNAI1):c.1399A>T (p.Lys467Ter)

Gene: DNAI1 (dynein axonemal intermediate chain 1; plus strand). Cytogenetic location: 9p13.3.
Variant type: single nucleotide variant.
Coding change: c.1399A>T on transcript NM_012144.4 (MANE Select); coding-DNA position 1399, A replaced by T.
Protein change: p.Lys467Ter; replaces lysine 467 with a stop codon.
Molecular consequence: nonsense.
Genome position (GRCh38, 1-based): chr9:34,512,196, A>T. VCF-style: chr9-34512196-A-T. GRCh37 (hg19) VCF-style: chr9-34512194-A-T.
Other names: c.1411A>T, p.Lys471Ter (NM_001281428.2); short protein forms K467*, K471*.
Identifiers: ClinVar variation 5013019 (VCV005013019.1).

ClinVar aggregate classification (germline): Pathogenic (1 of 4 stars; one submission).

Conditions:
Kartagener syndrome (CILD1). Also called: CILIARY DYSKINESIA, PRIMARY, 1; CILIARY DYSKINESIA, PRIMARY, 1, WITH OR WITHOUT SITUS INVERSUS; IMMOTILE CILIA SYNDROME; POLYNESIAN BRONCHIECTASIS; Dextrocardia bronchiectasis and sinusitis; SIEWERT SYNDROME. Identifiers: Orphanet 244, MedGen C4551906, MONDO:0009484, OMIM 244400.

Submission:

Myriad Genetics, Inc.
Classification: Pathogenic for Kartagener syndrome. Last evaluated: 2024-05-08. Review status: criteria provided, single submitter. Criteria: Myriad Autosomal Dominant, Autosomal Recessive and X-Linked Classification Criteria (2023). Collection method: clinical testing. Allele origin: unknown.
Comment: NM_012144.2(DNAI1):c.1399A>T(K467*) is expected to be pathogenic in the context of primary ciliary dyskinesia, DNAI1-related. This variant is predicted to lead to an abnormal or absent protein product due to the creation of a premature termination codon in DNAI1, a gene where loss-of-function variants are known to be pathogenic. Please note: this variant was assessed in the context of healthy population screening.